The following is an entry in ClinVar:

NM_013339.4(ALG6):c.654T>A (p.Cys218Ter)

Gene: ALG6 (ALG6 alpha-1,3-glucosyltransferase; plus strand). Cytogenetic location: 1p31.3.
Variant type: single nucleotide variant.
Coding change: c.654T>A on transcript NM_013339.4 (MANE Select); coding-DNA position 654, T replaced by A.
Protein change: p.Cys218Ter; replaces cysteine 218 with a stop codon.
Molecular consequence: nonsense.
Genome position (GRCh38, 1-based): chr1:63,411,305, T>A. VCF-style: chr1-63411305-T-A. GRCh37 (hg19) VCF-style: chr1-63876976-T-A.
Other names: short protein forms C218*.
Identifiers: ClinVar variation 1723905 (VCV001723905.2), dbSNP rs1208389261, ClinGen allele CA340635190.

ClinVar aggregate classification (germline): Likely pathogenic (1 of 4 stars; one submission).

Conditions:
ALG6-congenital disorder of glycosylation 1C (CDG1C). Also called: Congenital disorder of glycosylation, type Ic; Congenital disorder of glycosylation type 1C; CDG Ic; CARBOHYDRATE-DEFICIENT GLYCOPROTEIN SYNDROME, TYPE I, WITH DEFICIENT GLYCOSYLATION OF DOLICHOL-LINKED OLIGOSACCHARIDE; CARBOHYDRATE-DEFICIENT GLYCOPROTEIN SYNDROME, TYPE V. Identifiers: Orphanet 79320, MedGen C2930997, MONDO:0011291, OMIM 603147.

Submission:

Myriad Genetics, Inc.
Classification: Likely pathogenic for ALG6-congenital disorder of glycosylation 1C. Last evaluated: 2022-01-08. Review status: criteria provided, single submitter. Criteria: Myriad Women's Health Autosomal Recessive and X-Linked Classification Criteria (2021). Collection method: clinical testing. Allele origin: unknown.
Comment: NM_013339.3(ALG6):c.654T>A(C218*) is expected to be pathogenic in the context of congenital disorder of glycosylation type Ic. This variant is predicted to lead to an abnormal or absent protein product due to the creation of a premature termination codon in ALG6, a gene where loss-of-function variants are known to be pathogenic. Please note: this variant was assessed in the context of healthy population screening.